The following is an entry in ClinVar:

NM_001163809.2(WDR81):c.2269G>A (p.Val757Ile)

Gene: WDR81 (WD repeat domain 81; plus strand). Cytogenetic location: 17p13.3.
Variant type: single nucleotide variant.
Coding change: c.2269G>A on transcript NM_001163809.2 (MANE Select); coding-DNA position 2269, G replaced by A.
Protein change: p.Val757Ile; replaces valine 757 with isoleucine.
Molecular consequence: missense variant. On other transcripts: intron variant (3).
Genome position (GRCh38, 1-based): chr17:1,727,228, G>A. VCF-style: chr17-1727228-G-A. GRCh37 (hg19) VCF-style: chr17-1630522-G-A.
Other names: c.-123-762G>A (NM_152348.4); c.59-3152G>A (NM_001163673.2); c.-15+2442G>A (NM_001163811.2); short protein forms V757I.
Identifiers: ClinVar variation 1703352 (VCV001703352.3), dbSNP rs1179798865, ClinGen allele CA397591266.
Genomic context (GRCh38, chr17:1,727,228, plus strand): 5'-ACGGGCAACTTCTTGGCCAAAGGCCTAGGGGGCCTGTTGGAGGTGCCTGAGCAGCCCCGG[G>A]TCCAGCCGGCTGTGCCACTGCAGTGCCTACTCCACAGGGACATGCAGGCGCTGGGTGTCC-3'
Protein context (NP_001157281.1, residues 747-767): GLLEVPEQPR[Val757Ile]QPAVPLQCLL

ClinVar aggregate classification (germline): Uncertain significance (1 of 4 stars; one submission).

Allele frequency attached by ClinVar (database versions not stated): gnomAD exomes below 0.00001.
gnomAD v4.1: 2 of 1,550,362 alleles (0.00013%); highest among the groups gnomAD compares: East Asian, 0.0049%; no homozygotes.

Submission:

GeneDx
Classification: Uncertain significance. Last evaluated: 2024-06-14. Review status: criteria provided, single submitter. Criteria: GeneDx Variant Classification Process June 2021. Collection method: clinical testing. Allele origin: germline.
Comment: Not observed at significant frequency in large population cohorts (gnomAD); In silico analysis supports that this missense variant does not alter protein structure/function; Has not been previously published as pathogenic or benign to our knowledge